The following is an entry in ClinVar:

NM_024675.4(PALB2):c.2231A>G (p.Glu744Gly)

Gene: PALB2 (partner and localizer of BRCA2; minus strand). Cytogenetic location: 16p12.2.
Variant type: single nucleotide variant.
Coding change: c.2231A>G on transcript NM_024675.4 (MANE Select); coding-DNA position 2231, A replaced by G.
Protein change: p.Glu744Gly; replaces glutamic acid 744 with glycine.
Molecular consequence: missense variant.
Genome position (GRCh38, 1-based): chr16:23,629,923, T>C on the plus strand (A>G on the coding strand, the complement: PALB2 is on the minus strand). VCF-style: chr16-23629923-T-C. GRCh37 (hg19) VCF-style: chr16-23641244-T-C.
Other names: short protein forms E744G.
Identifiers: ClinVar variation 410178 (VCV000410178.12), dbSNP rs1060502779, ClinGen allele CA16614872.
Genomic context (GRCh38, chr16:23,629,923, plus strand): 5'-TTCAAATGAGCAAGTTGGGGTGTGCAGCAAGTTCGTCCAGCAACTTCTGTAGATGCTTTT[T>C]CATAGGAGCCTTGAGGGCCAAAGGCTGGAGTAGTACCTAAGATGGGGAAAGCAGGTGAAC-3'
Protein context (NP_078951.2, residues 734-754): TPAFGPQGSY[Glu744Gly]KASTEVAGRT

ClinVar aggregate classification (germline): Uncertain significance. Review status: criteria provided, multiple submitters, no conflicts (2 of 4 stars). 3 submissions from 3 submitters: Uncertain significance (3). Last evaluated 2024-03-06.

Conditions:
Hereditary cancer-predisposing syndrome. Also called: Hereditary neoplastic syndrome; Neoplastic Syndromes, Hereditary; Tumor predisposition; Hereditary Cancer Syndrome. Identifiers: Orphanet 140162, MedGen C0027672, MeSH D009386, MONDO:0015356.
Familial cancer of breast. Also called: Hereditary breast cancer; hereditary breast carcinoma; BREAST CANCER, FAMILIAL. Identifiers: Orphanet 227535, MedGen C0346153, MONDO:0016419, OMIM 114480. Disease mechanism: loss of function.
Pancreatic cancer, susceptibility to, 3. Identifiers: Orphanet 1333, MedGen C3150547, MONDO:0013236, OMIM 613348.
Fanconi anemia complementation group N. Also called: PALB2-Related Fanconi Anemia. Identifiers: Orphanet 84, MedGen C1835817, MONDO:0012565, OMIM 610832. Disease mechanism: loss of function.

Submissions (3):

Labcorp Genetics (formerly Invitae), Labcorp
Classification: Uncertain significance for Familial cancer of breast. Last evaluated: 2024-03-06. Review status: criteria provided, single submitter. Criteria: Invitae Variant Classification Sherloc (09022015). Collection method: clinical testing. Allele origin: germline.
Comment: This sequence change replaces glutamic acid, which is acidic and polar, with glycine, which is neutral and non-polar, at codon 744 of the PALB2 protein (p.Glu744Gly). This variant is not present in population databases (gnomAD no frequency). This variant has not been reported in the literature in individuals affected with PALB2-related conditions. ClinVar contains an entry for this variant (Variation ID: 410178). Advanced modeling of protein sequence and biophysical properties (such as structural, functional, and spatial information, amino acid conservation, physicochemical variation, residue mobility, and thermodynamic stability) performed at Invitae indicates that this missense variant is not expected to disrupt PALB2 protein function with a negative predictive value of 80%. In summary, the available evidence is currently insufficient to determine the role of this variant in disease. Therefore, it has been classified as a Variant of Uncertain Significance.

Ambry Genetics
Classification: Uncertain significance for Hereditary cancer-predisposing syndrome. Last evaluated: 2023-04-23. Review status: criteria provided, single submitter. Criteria: Ambry Variant Classification Scheme 2023. Collection method: clinical testing. Allele origin: germline.
Comment: The p.E744G variant (also known as c.2231A>G), located in coding exon 5 of the PALB2 gene, results from an A to G substitution at nucleotide position 2231. The glutamic acid at codon 744 is replaced by glycine, an amino acid with similar properties. This amino acid position is conserved. In addition, this alteration is predicted to be tolerated by in silico analysis. Since supporting evidence is limited at this time, the clinical significance of this alteration remains unclear.

Fulgent Genetics
Classification: Uncertain significance for Familial cancer of breast; Fanconi anemia complementation group N; Pancreatic cancer, susceptibility to, 3. Last evaluated: 2021-11-08. Review status: criteria provided, single submitter. Criteria: ACMG Guidelines, 2015. Collection method: clinical testing. Allele origin: unknown.